The following is an entry in ClinVar:

ClinVar aggregate classification (germline): Uncertain significance (1 of 4 stars; one submission).

Conditions:
Hereditary spastic paraplegia 4. Also called: Spastic paraplegia 4, autosomal dominant; Spastic Paraplegia 4; Familial spastic paraplegia autosomal dominant 2. Identifiers: Orphanet 100985, MedGen C1866855, MONDO:0008438, OMIM 182601.

gnomAD v4.1: 4 of 1,560,386 alleles (0.00026%); highest among the groups gnomAD compares: South Asian, 0.0035%; no homozygotes.

Submission:

Labcorp Genetics (formerly Invitae), Labcorp
Classification: Uncertain significance for Hereditary spastic paraplegia 4. Last evaluated: 2021-10-25. Review status: criteria provided, single submitter. Criteria: Invitae Variant Classification Sherloc (09022015). Collection method: clinical testing. Allele origin: germline.
Comment: In summary, the available evidence is currently insufficient to determine the role of this variant in disease. Therefore, it has been classified as a Variant of Uncertain Significance. This sequence change replaces alanine with valine at codon 106 of the SPAST protein (p.Ala106Val). The alanine residue is weakly conserved and there is a small physicochemical difference between alanine and valine. The frequency data for this variant in the population databases is considered unreliable, as metrics indicate poor data quality at this position in the ExAC database. This variant has not been reported in the literature in individuals affected with SPAST-related conditions. Advanced modeling of protein sequence and biophysical properties (such as structural, functional, and spatial information, amino acid conservation, physicochemical variation, residue mobility, and thermodynamic stability) performed at Invitae indicates that this missense variant is not expected to disrupt SPAST protein function. Algorithms developed to predict the effect of sequence changes on RNA splicing suggest that this variant may create or strengthen a splice site.

NM_014946.4(SPAST):c.317C>T (p.Ala106Val)

Gene: SPAST (spastin; plus strand). Cytogenetic location: 2p22.3.
Variant type: single nucleotide variant.
Coding change: c.317C>T on transcript NM_014946.4 (MANE Select); coding-DNA position 317, C replaced by T.
Protein change: p.Ala106Val; replaces alanine 106 with valine.
Molecular consequence: missense variant.
Genome position (GRCh38, 1-based): chr2:32,064,148, C>T. VCF-style: chr2-32064148-C-T. GRCh37 (hg19) VCF-style: chr2-32289217-C-T.
Other names: c.317C>T, p.Ala106Val (NM_001363823.2, NM_001363875.2, NM_001377959.1 and 1 more transcripts); short protein forms A106V.
Identifiers: ClinVar variation 1354718 (VCV001354718.6), dbSNP rs1385218846, ClinGen allele CA1600551.
Genomic context (GRCh38, chr2:32,064,148, plus strand): 5'-TCATGGCAGCCAAGAGGAGCTCCGGGGCCGCGCCAGCACCTGCCTCGGCCTCGGCCCCGG[C>T]GCCGGTGCCGGGCGGCGAGGCCGAGCGCGTCCGAGTCTTCCACAAACAGGCCTTCGAGTA-3'
Protein context (NP_055761.2, residues 96-116): APAPASASAP[Ala106Val]PVPGGEAERV